The following is an entry in ClinVar:

ClinVar aggregate classification (germline): Conflicting classifications of pathogenicity. Review status: criteria provided, conflicting classifications (1 of 4 stars). 9 submissions from 9 submitters: Uncertain significance (7); Likely benign (2). Last evaluated 2025-11-25.

Conditions:
TTN-related disorder. Also called: TTN-related condition; TTN-related disease; TTN-related disorders.
Dilated cardiomyopathy 1G (CMD1G). Identifiers: Orphanet 154, MedGen C1858763, MONDO:0011400, OMIM 604145.
Autosomal recessive limb-girdle muscular dystrophy type 2J (LGMDR10). Also called: Limb-girdle muscular dystrophy, type 2J; MUSCULAR DYSTROPHY, LIMB-GIRDLE, AUTOSOMAL RECESSIVE 10. Identifiers: Orphanet 140922, MedGen C1837342, MONDO:0012127, OMIM 608807.

Allele frequency attached by ClinVar (database versions not stated): gnomAD exomes 0.00009; ExAC 0.00010; gnomAD 0.00010 and 0.00011; TOPMed 0.00011; 1000 Genomes Project 30x 0.00016; ESP Exome Variant Server 0.00017; 1000 Genomes Project 0.00020.
gnomAD v4.1: 180 of 1,613,638 alleles (0.011%); highest among the groups gnomAD compares: Non-Finnish European, 0.0092%; no homozygotes.

Submissions (9):

PreventionGenetics, part of Exact Sciences
Classification: Uncertain significance for TTN-related condition. Last evaluated: 2025-11-25. Review status: criteria provided, single submitter. Criteria: ACMG Guidelines, 2015. Collection method: clinical testing. Allele origin: germline.
Comment: The TTN c.18663A>C variant is predicted to result in the amino acid substitution p.Glu6221Asp. This variant has been reported as a variant of uncertain significance in an individual with dilated cardiomyopathy (described as p.Glu4977Asp in Table S1, Pugh et al. 2014. PubMed ID: 24503780). This variant is reported in 0.11% of alleles in individuals of Ashkenazi Jewish descent in gnomAD. Although we suspect that this variant may be benign, at this time, the clinical significance of this variant is uncertain due to the absence of conclusive functional and genetic evidence.

ARUP Laboratories, Molecular Genetics and Genomics, ARUP Laboratories
Classification: Uncertain significance. Last evaluated: 2024-06-12. Review status: criteria provided, single submitter. Criteria: ARUP Molecular Germline Variant Investigation Process 2024. Collection method: clinical testing. Allele origin: germline.
Comment: The TTN c.18663A>C; p.Glu6221Asp variant (rs369544339; ClinVar Variation ID: 46642) is rare in the general population (<0.2% allele frequency in the Genome Aggregation Database) and has not been reported in the medical literature in association with dilated cardiomyopathy (DCM) or other TTN-related disease. The clinical relevance of rare missense variants in this gene, which are identified on average once per individual sequenced in affected populations (Herman 2012), is not well understood. Yet, evidence suggests that the vast majority of such missense variants do not contribute to the clinical outcome of DCM (Begay 2015). Thus, the clinical significance of the p.Glu6221Asp variant cannot be determined with certainty. References: Begay RL et al. Role of Titin Missense Variants in Dilated Cardiomyopathy. J Am Heart Assoc. 2015 Nov 13;4(11). PMID: 26567375. Herman DS et al. Truncations of titin causing dilated cardiomyopathy. N Engl J Med. 2012 Feb 16;366(7):619-28. PMID: 22335739. Linke WA and Hamdani N. Gigantic business: titin properties and function through thick and thin. Circ Res 2014; 114(6): 1052-1068. PMID: 24625729.

Blueprint Genetics
Classification: Uncertain significance. Last evaluated: 2024-03-08. Review status: criteria provided, single submitter. Criteria: ACMG Guidelines, 2015. Collection method: clinical testing. Allele origin: germline.

Athena Diagnostics
Classification: Likely benign. Last evaluated: 2019-09-27. Review status: criteria provided, single submitter. Criteria: Athena Diagnostics criteria. Collection method: clinical testing. Allele origin: unknown.

GeneDx
Classification: Likely benign. Last evaluated: 2019-07-11. Review status: criteria provided, single submitter. Criteria: GeneDx Variant Classification Process June 2021. Collection method: clinical testing. Allele origin: germline. Affected: yes.
Comment: This variant is associated with the following publications: (PMID: 24503780)

CeGaT Center for Human Genetics Tuebingen
Classification: Uncertain significance. Last evaluated: 2019-03-01. Review status: criteria provided, single submitter. Criteria: CeGaT Center For Human Genetics Tuebingen Variant Classification Criteria Version 2. Collection method: clinical testing. Allele origin: germline. Affected: yes. Observed: 1 variant allele.

Labcorp Genetics (formerly Invitae), Labcorp
Classification: Uncertain significance for Dilated cardiomyopathy 1G; Autosomal recessive limb-girdle muscular dystrophy type 2J. Last evaluated: 2017-12-20. Review status: criteria provided, single submitter. Criteria: Invitae Variant Classification Sherloc (09022015). Collection method: clinical testing. Allele origin: germline.

Eurofins Ntd Llc (ga)
Classification: Uncertain significance. Last evaluated: 2015-07-28. Review status: criteria provided, single submitter. Criteria: EGL Classification Definitions 2015. Collection method: clinical testing. Allele origin: germline. Observed: 1 variant allele, 1 heterozygote.

Laboratory for Molecular Medicine, Mass General Brigham Personalized Medicine
Classification: Uncertain significance. Last evaluated: 2015-02-20. Review status: criteria provided, single submitter. Criteria: LMM Criteria. Collection method: clinical testing. Allele origin: germline. Observed: 3 variant alleles.
Comment: This variant has also been identified in 11/67530 European chromosomes by the Exome Aggregation Consortium (ExAC; dbSNP rs369544339). Computatio nal prediction tools and conservation analysis suggest the p.Glu4977Asp variant may not impact the protein, though this information is not predictive enough to rule out pathogenicity. In summary, the clinical significance of the p.Glu4977As p variant is uncertain.

Literature cited by the submitters: PubMed 24503780 (cited by Laboratory for Molecular Medicine, Mass General Brigham Personalized Medicine).

NM_001267550.2(TTN):c.18663A>C (p.Glu6221Asp)

Genes: TTN (titin; minus strand), LOC126806430 (BRD4-independent group 4 enhancer GRCh37_chr2:179593794-179594993; plus strand). Cytogenetic location: 2q31.2.
Variant type: single nucleotide variant.
Coding change: c.18663A>C on transcript NM_001267550.2 (MANE Select); coding-DNA position 18663, A replaced by C.
Protein change: p.Glu6221Asp; replaces glutamic acid 6221 with aspartic acid.
Molecular consequence: missense variant. On other transcripts: intron variant (3).
Genome position (GRCh38, 1-based): chr2:178,729,493, T>G on the plus strand (A>C on the coding strand, the complement: TTN is on the minus strand). VCF-style: chr2-178729493-T-G. GRCh37 (hg19) VCF-style: chr2-179594220-T-G.
Other names: p.E5904D:GAA>GAC; c.17712A>C, p.Glu5904Asp (NM_001256850.1); c.14931A>C, p.Glu4977Asp (NM_133378.4); c.13282+8589A>C (NM_003319.4); c.13858+8589A>C (NM_133437.4); c.13657+8589A>C (NM_133432.3); short protein forms E6221D, E4977D, E5904D.
Identifiers: ClinVar variation 46642 (VCV000046642.58), dbSNP rs369544339, ClinGen allele CA138833.